The following is an entry in ClinVar:

NM_198252.3(GSN):c.-9-1986C>T

Gene: GSN (gelsolin; plus strand). Cytogenetic location: 9q33.2.
Variant type: single nucleotide variant.
Coding change: c.-9-1986C>T on transcript NM_198252.3 (MANE Select); 1986 bases into the intron before 9 bases upstream of the start codon, C replaced by T.
Molecular consequence: intron variant. On other transcripts: missense variant (1).
Genome position (GRCh38, 1-based): chr9:121,299,977, C>T. VCF-style: chr9-121299977-C-T. GRCh37 (hg19) VCF-style: chr9-124062255-C-T.
Other names: c.116C>T, p.Ala39Val (NM_000177.5); c.-9-1986C>T (NM_001353054.1, NM_001353053.1, NM_001353060.2 and 5 more transcripts); c.-47-79C>T (NM_001353064.2, NM_001353066.2, NM_001353072.2 and 8 more transcripts); c.-1-1994C>T (NM_001353058.2, NM_001353059.2, NM_001353056.2 and 1 more transcripts); c.-38-88C>T (NM_001353073.2, NM_001353065.2, NM_001353068.2 and 2 more transcripts); c.100-1986C>T (NM_001127663.2); c.-32-94C>T (NM_001353070.2); c.-48-1947C>T (NM_001353055.2); and 3 more; short protein forms A39V.
Identifiers: ClinVar variation 1739144 (VCV001739144.11), dbSNP rs1445044902, ClinGen allele CA374752268.

ClinVar aggregate classification (germline): Uncertain significance. Review status: criteria provided, multiple submitters, no conflicts (2 of 4 stars). 4 submissions from 4 submitters: Uncertain significance (3). 1 of the submissions does not count toward it. Last evaluated 2024-05-08.

Conditions:
Inborn genetic diseases. Identifiers: MedGen C0950123, MeSH D030342.

Allele frequency attached by ClinVar (database versions not stated): gnomAD exomes below 0.00001; gnomAD 0.00001; TOPMed below 0.00001.
gnomAD v4.1: 5 of 1,342,116 alleles (0.00037%); highest among the groups gnomAD compares: Non-Finnish European, 0.00048%; no homozygotes.

Submissions (4):

Ambry Genetics
Classification: Uncertain significance for Inborn genetic diseases. Last evaluated: 2024-05-08. Review status: criteria provided, single submitter. Criteria: Ambry Variant Classification Scheme 2023. Collection method: clinical testing. Allele origin: germline.

Labcorp Genetics (formerly Invitae), Labcorp
Classification: Uncertain significance. Last evaluated: 2024-05-08. Review status: criteria provided, single submitter. Criteria: Invitae Variant Classification Sherloc (09022015). Collection method: clinical testing. Allele origin: germline.
Comment: This sequence change replaces alanine, which is neutral and non-polar, with valine, which is neutral and non-polar, at codon 39 of the GSN protein (p.Ala39Val). The frequency data for this variant in the population databases is considered unreliable, as metrics indicate poor data quality at this position in the gnomAD database. This variant has not been reported in the literature in individuals affected with GSN-related conditions. ClinVar contains an entry for this variant (Variation ID: 1739144). Algorithms developed to predict the effect of missense changes on protein structure and function output the following: SIFT: "Not Available"; PolyPhen-2: "Benign"; Align-GVGD: "Not Available". The valine amino acid residue is found in multiple mammalian species, which suggests that this missense change does not adversely affect protein function. In summary, the available evidence is currently insufficient to determine the role of this variant in disease. Therefore, it has been classified as a Variant of Uncertain Significance.

Women's Health and Genetics/Laboratory Corporation of America, LabCorp
Classification: Uncertain significance. Last evaluated: 2023-12-01. Review status: criteria provided, single submitter. Criteria: LabCorp Variant Classification Summary - May 2015. Collection method: clinical testing. Allele origin: germline.
Comment: Variant summary: GSN c.116C>T (p.Ala39Val) results in a non-conservative amino acid change in the encoded protein sequence. Four of five in-silico tools predict a benign effect of the variant on protein function. The variant allele was found at a frequency of 9.7e-06 in 103124 control chromosomes (gnomAD). The available data on variant occurrences in the general population are insufficient to allow any conclusion about variant significance. To our knowledge, no occurrence of c.116C>T in individuals affected with Meretoja Syndrome and no experimental evidence demonstrating its impact on protein function have been reported. Three submitters have cited clinical-significance assessments for this variant to ClinVar after 2014. All submitters classified the variant as uncertain significance. Based on the evidence outlined above, the variant was classified as uncertain significance.

Genetic Services Laboratory, University of Chicago
Classification: Uncertain significance. Last evaluated: 2022-08-01. Review status: no assertion criteria provided. Collection method: clinical testing. Allele origin: germline. Affected: no. Not counted in ClinVar's aggregate classification.
Comment: DNA sequence analysis of the GSN gene demonstrated a sequence change, c.116C>T, in exon 1 that results in an amino acid change, p.Ala39Val. This sequence change does not appear to have been previously described in individuals with GSN-related disorders. This sequence change has been described in the gnomAD database in 2 individuals in the European (non Finnish) sub-population which corresponds to a population frequency of 0.003% in this sub-population (dbSNP rs1445044902). The p.Ala39Val change affects a poorly conserved amino acid residue located in a domain of the GSN protein that is not known to be functional. The p.Ala39Val substitution appears to be benign using several in-silico pathogenicity prediction tools (SIFT, PolyPhen2, Align GVGD, REVEL). Due to insufficient evidences and the lack of functional studies, the clinical significance of the p.Ala39Val change remains unknown at this time.